The following is an entry in ClinVar:

ClinVar aggregate classification (germline): Uncertain significance (1 of 4 stars; one submission).

Conditions:
Atrial fibrillation, familial, 14 (ATFB14). Identifiers: MedGen C3809312, MONDO:0014156, OMIM 615378.

Submission:

Labcorp Genetics (formerly Invitae), Labcorp
Classification: Uncertain significance for Atrial fibrillation, familial, 14. Last evaluated: 2025-12-01. Review status: criteria provided, single submitter. Criteria: Invitae Variant Classification Sherloc (09022015). Collection method: clinical testing. Allele origin: germline.
Comment: This sequence change replaces valine, which is neutral and non-polar, with glutamic acid, which is acidic and polar, at codon 34 of the SCN2B protein (p.Val34Glu). This variant is not present in population databases (gnomAD no frequency). This variant has not been reported in the literature in individuals affected with SCN2B-related conditions. An algorithm developed to predict the effect of missense changes on protein structure and function (PolyPhen-2) suggests that this variant is likely to be disruptive. In summary, the available evidence is currently insufficient to determine the role of this variant in disease. Therefore, it has been classified as a Variant of Uncertain Significance.

NM_004588.5(SCN2B):c.101T>A (p.Val34Glu)

Gene: SCN2B (sodium voltage-gated channel beta subunit 2; minus strand). Cytogenetic location: 11q23.3.
Variant type: single nucleotide variant.
Coding change: c.101T>A on transcript NM_004588.5 (MANE Select); coding-DNA position 101, T replaced by A.
Protein change: p.Val34Glu; replaces valine 34 with glutamic acid.
Molecular consequence: missense variant.
Genome position (GRCh38, 1-based): chr11:118,168,721, A>T on the plus strand (T>A on the coding strand, the complement: SCN2B is on the minus strand). VCF-style: chr11-118168721-A-T. GRCh37 (hg19) VCF-style: chr11-118039436-A-T.
Other names: short protein forms V34E.
Identifiers: ClinVar variation 4701749 (VCV004701749.1).